The following is an entry in ClinVar:

NM_145167.3(PIGM):c.303C>A (p.Ser101Arg)

Gene: PIGM (phosphatidylinositol glycan anchor biosynthesis class M; minus strand). Cytogenetic location: 1q23.2.
Variant type: single nucleotide variant.
Coding change: c.303C>A on transcript NM_145167.3 (MANE Select); coding-DNA position 303, C replaced by A.
Protein change: p.Ser101Arg; replaces serine 101 with arginine.
Molecular consequence: missense variant.
Genome position (GRCh38, 1-based): chr1:160,031,437, G>T on the plus strand (C>A on the coding strand, the complement: PIGM is on the minus strand). VCF-style: chr1-160031437-G-T. GRCh37 (hg19) VCF-style: chr1-160001227-G-T.
Other names: short protein forms S101R.
Identifiers: ClinVar variation 2878457 (VCV002878457.3), dbSNP rs1193547806, ClinGen allele CA343243880.
Genomic context (GRCh38, chr1:160,031,437, plus strand): 5'-GCGCCCCAGCCCCTTCAGCAGCAGCAGGCGGTATAAGAGGAAAGCGGTGAGGAGGTCGCA[G>T]CTGATGAAGAGAAACTTTCCAAAGAGCTCGCTGAGGTAGATGTTGGGAGTGAGGAGCCAA-3'
Protein context (NP_660150.1, residues 91-111): SELFGKFLFI[Ser101Arg]CDLLTAFLLY

ClinVar aggregate classification (germline): Uncertain significance (1 of 4 stars; one submission).

Conditions:
Hypercoagulability syndrome due to glycosylphosphatidylinositol deficiency (GPIBD1). Also called: GLYCOSYLPHOSPHATIDYLINOSITOL BIOSYNTHESIS DEFECT 1. Identifiers: Orphanet 83639, MedGen C5201145, MONDO:0012465, OMIM 610293.

Submission:

Labcorp Genetics (formerly Invitae), Labcorp
Classification: Uncertain significance for Hypercoagulability syndrome due to glycosylphosphatidylinositol deficiency. Last evaluated: 2023-09-21. Review status: criteria provided, single submitter. Criteria: Invitae Variant Classification Sherloc (09022015). Collection method: clinical testing. Allele origin: germline.
Comment: This sequence change replaces serine, which is neutral and polar, with arginine, which is basic and polar, at codon 101 of the PIGM protein (p.Ser101Arg). This variant is not present in population databases (gnomAD no frequency). This variant has not been reported in the literature in individuals affected with PIGM-related conditions. Advanced modeling of protein sequence and biophysical properties (such as structural, functional, and spatial information, amino acid conservation, physicochemical variation, residue mobility, and thermodynamic stability) performed at Invitae indicates that this missense variant is not expected to disrupt PIGM protein function. In summary, the available evidence is currently insufficient to determine the role of this variant in disease. Therefore, it has been classified as a Variant of Uncertain Significance.